The following is an entry in ClinVar:

ClinVar aggregate classification (germline): Uncertain significance (1 of 4 stars; one submission).

Conditions:
Inborn genetic diseases. Identifiers: MedGen C0950123, MeSH D030342.

gnomAD v4.1: 3 of 1,613,632 alleles (0.00019%); highest among the groups gnomAD compares: South Asian, 0.0011%; no homozygotes.

Submission:

Ambry Genetics
Classification: Uncertain significance for Inborn genetic diseases. Last evaluated: 2025-03-20. Review status: criteria provided, single submitter. Criteria: Ambry Variant Classification Scheme 2023. Collection method: clinical testing. Allele origin: germline.
Comment: The p.Y413C variant (also known as c.1238A>G), located in coding exon 9 of the BMPR2 gene, results from an A to G substitution at nucleotide position 1238. The tyrosine at codon 413 is replaced by cysteine, an amino acid with highly dissimilar properties. This amino acid position is conserved. In addition, this alteration is predicted to be deleterious by in silico analysis. Based on the available evidence, the clinical significance of this variant remains unclear.

NM_001204.7(BMPR2):c.1238A>G (p.Tyr413Cys)

Gene: BMPR2 (bone morphogenetic protein receptor type 2; plus strand). Cytogenetic location: 2q33.2.
Variant type: single nucleotide variant.
Coding change: c.1238A>G on transcript NM_001204.7 (MANE Select); coding-DNA position 1238, A replaced by G.
Protein change: p.Tyr413Cys; replaces tyrosine 413 with cysteine.
Molecular consequence: missense variant.
Genome position (GRCh38, 1-based): chr2:202,532,694, A>G. VCF-style: chr2-202532694-A-G. GRCh37 (hg19) VCF-style: chr2-203397417-A-G.
Other names: short protein forms Y413C.
Identifiers: ClinVar variation 3992055 (VCV003992055.1).